The following is an entry in ClinVar:

ClinVar aggregate classification (germline): Uncertain significance (1 of 4 stars; one submission).

Conditions:
Retinoblastoma (RB1). Also called: RETINOBLASTOMA, SOMATIC. Identifiers: Orphanet 790, MedGen C0035335, MeSH D012175, MONDO:0008380, OMIM 180200, HP:0009919. Disease mechanism: loss of function. Inheritance: Both sporadic and heritable forms are tested..

Submission:

Labcorp Genetics (formerly Invitae), Labcorp
Classification: Uncertain significance for Retinoblastoma. Last evaluated: 2024-05-02. Review status: criteria provided, single submitter. Criteria: Invitae Variant Classification Sherloc (09022015). Collection method: clinical testing. Allele origin: germline.
Comment: This variant occurs in a non-coding region of the RB1 gene. It does not change the encoded amino acid sequence of the RB1 protein. This variant is not present in population databases (gnomAD no frequency). This variant has not been reported in the literature in individuals affected with RB1-related conditions. Experimental studies and prediction algorithms are not available or were not evaluated, and the functional significance of this variant is currently unknown. In summary, the available evidence is currently insufficient to determine the role of this variant in disease. Therefore, it has been classified as a Variant of Uncertain Significance.

NM_000321.3(RB1):c.-14del

Gene: RB1 (RB transcriptional corepressor 1; plus strand). Cytogenetic location: 13q14.2.
Variant type: Deletion.
Coding change: c.-14del on transcript NM_000321.3 (MANE Select); 14 bases upstream of the start codon, one base deleted (C; older notation c.-14delC).
Molecular consequence: 5 prime UTR variant.
Genome position (GRCh38, 1-based): chr13:48,303,899, C deleted; the last of 2 consecutive C bases (chr13:48,303,898-48,303,899); deleting either gives the same sequence. VCF-style (leftmost placement, unchanged base first): chr13-48303897-GC-G. GRCh37 (hg19) VCF-style: chr13-48878033-GC-G.
Other names: c.-14del (NM_001407165.1, NM_001407166.1, NM_001407167.1).
Identifiers: ClinVar variation 3711732 (VCV003711732.2).
Genomic context (GRCh38, chr13:48,303,897, plus strand): 5'-GTGCCCCGACGTGCGCGCGCGTCGTCCTCCCCGGCGCTCCTCCACAGCTCGCTGGCTCCC[GC>G]CGCGGAAAGGCGTCATGCCGCCCAAAACCCCCCGAAAAACGGCCGCCACCGCCGCCGCTG-3'